The following is an entry in ClinVar:

NM_020549.5(CHAT):c.1321G>A (p.Glu441Lys)

Gene: CHAT (choline O-acetyltransferase; plus strand). Cytogenetic location: 10q11.23.
Variant type: single nucleotide variant.
Coding change: c.1321G>A on transcript NM_020549.5 (MANE Select); coding-DNA position 1321, G replaced by A.
Protein change: p.Glu441Lys; replaces glutamic acid 441 with lysine.
Molecular consequence: missense variant.
Genome position (GRCh38, 1-based): chr10:49,648,546, G>A. VCF-style: chr10-49648546-G-A. GRCh37 (hg19) VCF-style: chr10-50856592-G-A.
Other names: c.967G>A, p.Glu323Lys (NM_001142929.2, NM_001142934.2, NM_020984.4 and 2 more transcripts); c.1075G>A, p.Glu359Lys (NM_001142933.2); short protein forms E441K, E323K, E359K.
Identifiers: ClinVar variation 17507 (VCV000017507.15), dbSNP rs121912816, ClinGen allele CA257978.
Genomic context (GRCh38, chr10:49,648,546, plus strand): 5'-ACTCCCTCTTTCCTGTTGCAGTTTGTGGTGGGCCGAGACGGCACCTGCGGTGTGGTGTGC[G>A]AACACTCCCCATTCGATGGCATCGTCCTGGTGCAGTGCACTGAGCATCTGCTCAAGCACG-3'
Protein context (NP_065574.4, residues 431-451): GRDGTCGVVC[Glu441Lys]HSPFDGIVLV

ClinVar aggregate classification (germline): Pathogenic/Likely pathogenic. Review status: criteria provided, multiple submitters, no conflicts (2 of 4 stars). 5 submissions from 5 submitters: Pathogenic (1); Likely pathogenic (3). 1 of the submissions does not count toward it. Last evaluated 2026-04-06.

Conditions:
Congenital myasthenic syndrome (CMS). Also called: Congenital Myasthenic Syndromes. Identifiers: Orphanet 590, MedGen C0751882, MeSH D020294, MONDO:0018940.
Familial infantile myasthenia (CMS6). Also called: Congenital myasthenic syndrome type 6; MYASTHENIC SYNDROME, PRESYNAPTIC, CONGENITAL, ASSOCIATED WITH EPISODIC APNEA; MYASTHENIC SYNDROME, CONGENITAL, 6, PRESYNAPTIC. Identifiers: Orphanet 590, MedGen C0393929, MONDO:0009689, OMIM 254210.

Allele frequency attached by ClinVar (database versions not stated): gnomAD 0.00001; gnomAD exomes 0.00001 and below 0.00001; TOPMed 0.00002; ExAC 0.00001.
gnomAD v4.1: 9 of 1,613,860 alleles (0.00056%); highest among the groups gnomAD compares: East Asian, 0.0022%; no homozygotes.

Submissions (5):

Women's Health and Genetics/Laboratory Corporation of America, LabCorp
Classification: Likely pathogenic for Congenital myasthenic syndrome. Last evaluated: 2026-04-06. Review status: criteria provided, single submitter. Criteria: LabCorp Variant Classification Summary - May 2015. Collection method: clinical testing. Allele origin: germline.
Comment: Variant summary: CHAT c.1321G>A (p.Glu441Lys) results in a conservative amino acid change located in the CoA-dependent acyltransferases of the encoded protein sequence. Algorithms developed to predict the effect of missense changes on protein structure and function are either unavailable or do not agree on the potential impact of this missense change. The variant allele was found at a frequency of 4e-06 in 251050 control chromosomes. c.1321G>A has been observed in individuals affected with Congenital Myasthenic Syndrome (Ohno_2001, Abitht_2012, internal data). At least one publication reports experimental evidence evaluating an impact on protein function, showing the variant resulted in low expression and absent catalytic activity (Ohno_2001). The following publications have been ascertained in the context of this evaluation (PMID: 22678886, 11172068). ClinVar contains an entry for this variant (Variation ID: 17507). Based on the evidence outlined above, the variant was classified as likely pathogenic.

Labcorp Genetics (formerly Invitae), Labcorp
Classification: Pathogenic for Familial infantile myasthenia. Last evaluated: 2025-09-02. Review status: criteria provided, single submitter. Criteria: Invitae Variant Classification Sherloc (09022015). Collection method: clinical testing. Allele origin: germline.
Comment: This sequence change replaces glutamic acid, which is acidic and polar, with lysine, which is basic and polar, at codon 441 of the CHAT protein (p.Glu441Lys). The frequency data for this variant in the population databases is considered unreliable, as metrics indicate poor data quality at this position in the gnomAD database. This missense change has been observed in individual(s) with congenital myasthenic syndrome (PMID: 11172068, 22678886; internal data). In at least one individual the data is consistent with being in trans (on the opposite chromosome) from a pathogenic variant. ClinVar contains an entry for this variant (Variation ID: 17507). Invitae Evidence Modeling of protein sequence and biophysical properties (such as structural, functional, and spatial information, amino acid conservation, physicochemical variation, residue mobility, and thermodynamic stability) indicates that this missense variant is expected to disrupt CHAT protein function with a positive predictive value of 95%. Experimental studies have shown that this missense change affects CHAT function (PMID: 11172068, 22678886). For these reasons, this variant has been classified as Pathogenic.

Baylor Genetics
Classification: Likely pathogenic for Familial infantile myasthenia. Last evaluated: 2023-10-11. Review status: criteria provided, single submitter. Criteria: ACMG Guidelines, 2015. Collection method: clinical testing. Allele origin: unknown.

Juno Genomics, Hangzhou Juno Genomics, Inc
Classification: Likely pathogenic for Familial infantile myasthenia. Review status: criteria provided, single submitter. Criteria: ACMG Guidelines, 2015. Collection method: clinical testing. Allele origin: germline.
Comment: Absent from controls (or at extremely low frequency if recessive) in Genome Aggregation Database.;For recessive disorders, detected in trans with a pathogenic variant.;Patient's phenotype or family history is highly specific for a disease with a single genetic etiology.;Well-established in vitro or in vivo functional studies supportive of a damaging effect on the gene or gene product.

OMIM
Classification: Pathogenic for MYASTHENIC SYNDROME, CONGENITAL, 6, PRESYNAPTIC. Last evaluated: 2001-02-13. Review status: no assertion criteria provided. Collection method: literature only. Allele origin: germline. Not counted in ClinVar's aggregate classification.

Literature cited by the submitters: PubMed 22678886 (cited by Women's Health and Genetics/Laboratory Corporation of America, LabCorp and Labcorp Genetics (formerly Invitae), Labcorp); PubMed 11172068 (cited by 3 submitters).